The following is an entry in ClinVar:

GRCh38/hg38 21q22.11(chr21:32597585-32718929)x3

Genes: CFAP298 (cilia and flagella associated protein 298; minus strand), CFAP298-TCP10L (CFAP298-TCP10L readthrough; minus strand), SYNJ1 (synaptojanin 1; minus strand), LOC125418061 (Sharpr-MPRA regulatory region 410; plus strand), LOC130066544 (ATAC-STARR-seq lymphoblastoid active region 18364; plus strand) and 1 more. Cytogenetic location: 21q22.11.
Variant type: copy number gain.
Change: copy number 3 (three copies instead of two) of chr21:32,597,585-32,718,929 (121.3 kb, GRCh38 coordinates, 1-based), cytogenetic band 21q22.11.
Identifiers: ClinVar variation 59002 (VCV000059002.1).

ClinVar aggregate classification (germline): Uncertain significance (1 of 4 stars; one submission).

Submission:

ISCA site 14
Classification: Uncertain significance. Last evaluated: 2011-08-12. Review status: criteria provided, single submitter. Criteria: Kaminsky et al. (Genet Med. 2011). Collection method: clinical testing. Allele origin: paternal. Affected: yes. Observed: 1 variant allele.
Comment: Copy number variation identified through the course of routine clinical cytogenomic testing in postnatal populations. Clinical assertions have been curated as described in Kaminsky et al. 2011.